The following is an entry in ClinVar:

NM_004304.5(ALK):c.1448A>T (p.Glu483Val)

Gene: ALK (ALK receptor tyrosine kinase; minus strand). Cytogenetic location: 2p23.2.
Variant type: single nucleotide variant.
Coding change: c.1448A>T on transcript NM_004304.5 (MANE Select); coding-DNA position 1448, A replaced by T.
Protein change: p.Glu483Val; replaces glutamic acid 483 with valine.
Molecular consequence: missense variant.
Genome position (GRCh38, 1-based): chr2:29,320,849, T>A on the plus strand (A>T on the coding strand, the complement: ALK is on the minus strand). VCF-style: chr2-29320849-T-A. GRCh37 (hg19) VCF-style: chr2-29543715-T-A.
Other names: short protein forms E483V.
Identifiers: ClinVar variation 4272384 (VCV004272384.1).

ClinVar aggregate classification (germline): Uncertain significance (1 of 4 stars; one submission).

Conditions:
Hereditary cancer-predisposing syndrome. Also called: Hereditary Cancer Syndrome; Hereditary neoplastic syndrome; Neoplastic Syndromes, Hereditary; Tumor predisposition. Identifiers: Orphanet 140162, MedGen C0027672, MeSH D009386, MONDO:0015356.

gnomAD v4.1: 2 of 1,614,178 alleles (0.00012%); highest among the groups gnomAD compares: Non-Finnish European, 0.00017%; no homozygotes.

Submission:

Ambry Genetics
Classification: Uncertain significance for Hereditary cancer-predisposing syndrome. Last evaluated: 2025-06-30. Review status: criteria provided, single submitter. Criteria: Ambry Variant Classification Scheme 2023. Collection method: clinical testing. Allele origin: germline.
Comment: The p.E483V variant (also known as c.1448A>T), located in coding exon 7 of the ALK gene, results from an A to T substitution at nucleotide position 1448. The glutamic acid at codon 483 is replaced by valine, an amino acid with dissimilar properties. This amino acid position is conserved. In addition, the in silico prediction for this alteration is inconclusive. Based on the available evidence, the clinical significance of this variant remains unclear.